The following is an entry in ClinVar:

ClinVar aggregate classification (germline): Uncertain significance (1 of 4 stars; one submission).

Conditions:
PLXNA2-related disorder. Also called: PLXNA2-related condition.

gnomAD v4.1: 4 of 1,614,058 alleles (0.00025%); highest among the groups gnomAD compares: Non-Finnish European, 0.00034%; no homozygotes.

Submission:

PreventionGenetics, part of Exact Sciences
Classification: Uncertain significance for PLXNA2-related condition. Last evaluated: 2026-07-22. Review status: criteria provided, single submitter. Criteria: ACMG Guidelines, 2015. Collection method: clinical testing. Allele origin: germline.
Comment: The PLXNA2 c.2929C>T variant is predicted to result in the amino acid substitution p.His977Tyr. To our knowledge, this variant has not been reported in the literature. This variant is reported in 0.00088% of alleles in individuals of European (Non-Finnish) descent in gnomAD. At this time, the clinical significance of this variant is uncertain due to the absence of conclusive functional and genetic evidence.

NM_025179.4(PLXNA2):c.2929C>T (p.His977Tyr)

Gene: PLXNA2 (plexin A2; minus strand). Cytogenetic location: 1q32.2.
Variant type: single nucleotide variant.
Coding change: c.2929C>T on transcript NM_025179.4 (MANE Select); coding-DNA position 2929, C replaced by T.
Protein change: p.His977Tyr; replaces histidine 977 with tyrosine.
Molecular consequence: missense variant.
Genome position (GRCh38, 1-based): chr1:208,052,391, G>A on the plus strand (C>T on the coding strand, the complement: PLXNA2 is on the minus strand). VCF-style: chr1-208052391-G-A. GRCh37 (hg19) VCF-style: chr1-208225736-G-A.
Other names: short protein forms H977Y.
Identifiers: ClinVar variation 5000037 (VCV005000037.1).